The following is an entry in ClinVar:

ClinVar aggregate classification (germline): Uncertain significance. Review status: criteria provided, multiple submitters, no conflicts (2 of 4 stars). 3 submissions from 3 submitters: Uncertain significance (3). Last evaluated 2024-06-26.

Conditions:
Autosomal dominant limb-girdle muscular dystrophy type 1F (LGMDD2). Also called: MUSCULAR DYSTROPHY, LIMB-GIRDLE, AUTOSOMAL DOMINANT 2; Limb-girdle muscular dystrophy, type 1F. Identifiers: Orphanet 55595, MedGen C1842062, MONDO:0012034, OMIM 608423.

Allele frequency attached by ClinVar (database versions not stated): gnomAD exomes below 0.00001; ExAC 0.00001; gnomAD 0.00001; TOPMed 0.00001.
gnomAD v4.1: 4 of 1,613,972 alleles (0.00025%); highest among the groups gnomAD compares: South Asian, 0.0011%; no homozygotes.

Submissions (3):

Labcorp Genetics (formerly Invitae), Labcorp
Classification: Uncertain significance for Autosomal dominant limb-girdle muscular dystrophy type 1F. Last evaluated: 2024-06-26. Review status: criteria provided, single submitter. Criteria: Invitae Variant Classification Sherloc (09022015). Collection method: clinical testing. Allele origin: germline.
Comment: This sequence change replaces arginine, which is basic and polar, with tryptophan, which is neutral and slightly polar, at codon 54 of the TNPO3 protein (p.Arg54Trp). This variant is present in population databases (rs758601463, gnomAD 0.003%). This variant has not been reported in the literature in individuals affected with TNPO3-related conditions. ClinVar contains an entry for this variant (Variation ID: 594654). Advanced modeling of protein sequence and biophysical properties (such as structural, functional, and spatial information, amino acid conservation, physicochemical variation, residue mobility, and thermodynamic stability) performed at Invitae indicates that this missense variant is not expected to disrupt TNPO3 protein function with a negative predictive value of 80%. In summary, the available evidence is currently insufficient to determine the role of this variant in disease. Therefore, it has been classified as a Variant of Uncertain Significance.

Revvity Omics, Revvity
Classification: Uncertain significance for Autosomal dominant limb-girdle muscular dystrophy type 1F. Last evaluated: 2019-03-05. Review status: criteria provided, single submitter. Criteria: ACMG Guidelines, 2015. Collection method: clinical testing. Allele origin: germline.

Eurofins Ntd Llc (ga)
Classification: Uncertain significance. Last evaluated: 2017-11-02. Review status: criteria provided, single submitter. Criteria: EGL Classification Definitions 2015. Collection method: clinical testing. Allele origin: germline. Observed: 1 variant allele, 1 heterozygote.

NM_012470.4(TNPO3):c.160C>T (p.Arg54Trp)

Gene: TNPO3 (transportin 3; minus strand). Cytogenetic location: 7q32.1.
Variant type: single nucleotide variant.
Coding change: c.160C>T on transcript NM_012470.4 (MANE Select); coding-DNA position 160, C replaced by T.
Protein change: p.Arg54Trp; replaces arginine 54 with tryptophan.
Molecular consequence: missense variant. On other transcripts: non-coding transcript variant (18).
Genome position (GRCh38, 1-based): chr7:129,018,118, G>A on the plus strand (C>T on the coding strand, the complement: TNPO3 is on the minus strand). VCF-style: chr7-129018118-G-A. GRCh37 (hg19) VCF-style: chr7-128658172-G-A.
Other names: c.160C>T, p.Arg54Trp (NM_001382221.1, NM_001382222.1, NM_001382223.1 and 6 more transcripts); c.160C>T (NM_012470.3); short protein forms R54W.
Identifiers: ClinVar variation 594654 (VCV000594654.10), dbSNP rs758601463, ClinGen allele CA4478441.